The following is an entry in ClinVar:

ClinVar aggregate classification (germline): Likely benign. Review status: criteria provided, multiple submitters, no conflicts (2 of 4 stars). 3 submissions from 3 submitters: Likely benign (3). Last evaluated 2026-05-01.

Allele frequency attached by ClinVar (database versions not stated): gnomAD exomes 0.00006; ExAC 0.00015; 1000 Genomes Project 0.00020; 1000 Genomes Project 30x 0.00031; ESP Exome Variant Server 0.00031; gnomAD 0.00038; TOPMed 0.00047.
gnomAD v4.1: 156 of 1,613,950 alleles (0.0097%); highest among the groups gnomAD compares: African/African-American, 0.12%; no homozygotes.

Submissions (3):

CeGaT Center for Human Genetics Tuebingen
Classification: Likely benign. Last evaluated: 2026-05-01. Review status: criteria provided, single submitter. Criteria: CeGaT Center For Human Genetics Tuebingen Variant Classification Criteria Version 2. Collection method: clinical testing. Allele origin: germline. Affected: yes. Observed: 2 variant alleles.
Comment: IARS1: BP4, BP7

Blueprint Genetics
Classification: Likely benign. Last evaluated: 2024-09-16. Review status: criteria provided, single submitter. Criteria: ACMG Guidelines, 2015. Collection method: clinical testing. Allele origin: germline.

Labcorp Genetics (formerly Invitae), Labcorp
Classification: Likely benign. Last evaluated: 2023-11-22. Review status: criteria provided, single submitter. Criteria: Invitae Variant Classification Sherloc (09022015). Collection method: clinical testing. Allele origin: germline.

NM_002161.6(IARS1):c.3039T>C (p.Tyr1013=)

Gene: IARS1 (isoleucyl-tRNA synthetase 1; minus strand). Cytogenetic location: 9q22.31.
Variant type: single nucleotide variant.
Coding change: c.3039T>C on transcript NM_002161.6 (MANE Select); coding-DNA position 3039, T replaced by C.
Protein change: p.Tyr1013=; no amino-acid change (tyrosine 1013 retained).
Molecular consequence: synonymous variant. On other transcripts: non-coding transcript variant (1).
Genome position (GRCh38, 1-based): chr9:92,242,292, A>G on the plus strand (T>C on the coding strand, the complement: IARS1 is on the minus strand). VCF-style: chr9-92242292-A-G. GRCh37 (hg19) VCF-style: chr9-95004574-A-G.
Other names: c.2964T>C, p.Tyr988= (NM_001374299.1, NM_001374300.1, NM_001378584.1); c.2955T>C, p.Tyr985= (NM_001374301.1); c.3102T>C, p.Tyr1034= (NM_001378569.1); c.3060T>C, p.Tyr1020= (NM_001378571.1); c.3039T>C, p.Tyr1013= (NM_001378572.1, NM_001378573.1, NM_001378574.1 and 9 more transcripts); c.2943T>C, p.Tyr981= (NM_001378582.1); c.2916T>C, p.Tyr972= (NM_001378583.1).
Identifiers: ClinVar variation 2142166 (VCV002142166.12), dbSNP rs147719645, ClinGen allele CA5121993.
Genomic context (GRCh38, chr9:92,242,292, plus strand): 5'-TATGAACTCTGTGTGGCTTTCAATAACACTATTCAGATATGTTCCTTCAGACTTTGCTTT[A>G]TAGTACACTGTGATTTCATCAGTTGGAACCAGATTGCACTGAAAACACACACAGAAAAAT-3'
Protein context (NP_002152.2, residues 1003-1023): LVPTDEITVY[Tyr1013=]KAKSEGTYLN